The following is an entry in ClinVar:

NM_153026.3(PRICKLE1):c.133-16A>C

Gene: PRICKLE1 (prickle planar cell polarity protein 1; minus strand). Cytogenetic location: 12q12.
Variant type: single nucleotide variant.
Coding change: c.133-16A>C on transcript NM_153026.3 (MANE Select); 16 bases into the intron before coding-DNA position 133, A replaced by C.
Molecular consequence: intron variant.
Genome position (GRCh38, 1-based): chr12:42,470,375, T>G on the plus strand (A>C on the coding strand, the complement: PRICKLE1 is on the minus strand). VCF-style: chr12-42470375-T-G. GRCh37 (hg19) VCF-style: chr12-42864177-T-G.
Other names: c.133-16A>C (NM_001144883.2, NM_001144882.2, NM_001144881.2).
Identifiers: ClinVar variation 382752 (VCV000382752.1), dbSNP rs1057521443, ClinGen allele CA16606618.

ClinVar aggregate classification (germline): Likely benign (1 of 4 stars; one submission).

Submission:

GeneDx
Classification: Likely benign. Last evaluated: 2016-01-14. Review status: criteria provided, single submitter. Criteria: GeneDx Variant Classification (06012015). Collection method: clinical testing. Allele origin: germline. Affected: yes.
Comment: This variant is considered likely benign or benign based on one or more of the following criteria: it is a conservative change, it occurs at a poorly conserved position in the protein, it is predicted to be benign by multiple in silico algorithms, and/or has population frequency not consistent with disease.